The following is an entry in ClinVar:

ClinVar aggregate classification (germline): Pathogenic/Likely pathogenic. Review status: criteria provided, multiple submitters, no conflicts (2 of 4 stars). 2 submissions from 2 submitters: Pathogenic (1); Likely pathogenic (1). Last evaluated 2025-12-29.

Conditions:
Bartter syndrome. Identifiers: Orphanet 112, MedGen C0004775, MONDO:0015231.

Submissions (2):

Natera, Inc.
Classification: Likely pathogenic for Bartter syndrome. Last evaluated: 2025-12-29. Review status: criteria provided, single submitter. Criteria: Natera Variant Classification Schema (03/2026). Collection method: clinical testing. Allele origin: germline.
Comment: The c.318delC variant in BSND is a frameshift variant predicted to shift the reading frame beginning at codon 107 and leads to a stop codon 13 codons downstream. This variant is expected to result in nonsense mediated decay, truncation, or a dysfunctional protein product. This variant is rare in the general population with a frequency below the threshold expected for the associated phenotype(s). Given the available evidence, this variant is classified as Likely Pathogenic.

Labcorp Genetics (formerly Invitae), Labcorp
Classification: Pathogenic. Last evaluated: 2023-11-29. Review status: criteria provided, single submitter. Criteria: Invitae Variant Classification Sherloc (09022015). Collection method: clinical testing. Allele origin: germline.
Comment: This sequence change creates a premature translational stop signal (p.Tyr107Metfs*13) in the BSND gene. It is expected to result in an absent or disrupted protein product. Loss-of-function variants in BSND are known to be pathogenic (PMID: 11687798). This variant is not present in population databases (gnomAD no frequency). This premature translational stop signal has been observed in individual(s) with deafness (PMID: 33597575). For these reasons, this variant has been classified as Pathogenic.

Literature cited by the submitters: PubMed 11687798 (cited by Labcorp Genetics (formerly Invitae), Labcorp); PubMed 33597575 (cited by Labcorp Genetics (formerly Invitae), Labcorp).

NM_057176.3(BSND):c.318del (p.Tyr107fs)

Gene: BSND (barttin CLCNK type accessory subunit beta; plus strand). Cytogenetic location: 1p32.3.
Variant type: Deletion.
Coding change: c.318del on transcript NM_057176.3 (MANE Select); coding-DNA position 318, one base deleted (C; older notation c.318delC).
Protein change: p.Tyr107fs; shifts the reading frame from tyrosine 107.
Molecular consequence: frameshift variant.
Genome position (GRCh38, 1-based): chr1:55,007,042, C deleted; the last of 2 consecutive C bases (chr1:55,007,041-55,007,042); deleting either gives the same sequence. VCF-style (leftmost placement, unchanged base first): chr1-55007040-GC-G. GRCh37 (hg19) VCF-style: chr1-55472713-GC-G.
Other names: c.318delC (NM_057176.2); short protein forms Y107fs.
Identifiers: ClinVar variation 2779963 (VCV002779963.4), dbSNP rs2523082968, ClinGen allele CA2586966698.